The following is an entry in ClinVar:

ClinVar aggregate classification (germline): Uncertain significance (1 of 4 stars; one submission).

Submission:

GeneDx
Classification: Uncertain significance. Last evaluated: 2025-05-27. Review status: criteria provided, single submitter. Criteria: GeneDx Variant Classification Process June 2021. Collection method: clinical testing. Allele origin: germline. Affected: yes.
Comment: Not observed at significant frequency in large population cohorts (gnomAD); In silico analysis supports that this missense variant has a deleterious effect on protein structure/function; Has not been previously published as pathogenic or benign to our knowledge

NM_015338.6(ASXL1):c.919G>A (p.Ala307Thr)

Gene: ASXL1 (ASXL transcriptional regulator 1; plus strand). Cytogenetic location: 20q11.21.
Variant type: single nucleotide variant.
Coding change: c.919G>A on transcript NM_015338.6 (MANE Select); coding-DNA position 919, G replaced by A.
Protein change: p.Ala307Thr; replaces alanine 307 with threonine.
Molecular consequence: missense variant.
Genome position (GRCh38, 1-based): chr20:32,431,619, G>A. VCF-style: chr20-32431619-G-A. GRCh37 (hg19) VCF-style: chr20-31019422-G-A.
Other names: c.736G>A, p.Ala246Thr (NM_001363734.1); short protein forms A246T, A307T.
Identifiers: ClinVar variation 4532583 (VCV004532583.1).